The following is an entry in ClinVar:

ClinVar aggregate classification (germline): Likely benign (1 of 4 stars; one submission).

gnomAD v4.1: 1 of 1,614,056 alleles (0.000062%); highest among the groups gnomAD compares: African/African-American, 0.0013%; no homozygotes.

Submission:

CeGaT Center for Human Genetics Tuebingen
Classification: Likely benign. Last evaluated: 2025-05-01. Review status: criteria provided, single submitter. Criteria: CeGaT Center For Human Genetics Tuebingen Variant Classification Criteria Version 2. Collection method: clinical testing. Allele origin: germline. Affected: yes. Observed: 1 variant allele.
Comment: IFT172: BP4, BP7

NM_015662.3(IFT172):c.3042T>C (p.Asp1014=)

Gene: IFT172 (intraflagellar transport 172; minus strand). Cytogenetic location: 2p23.3.
Variant type: single nucleotide variant.
Coding change: c.3042T>C on transcript NM_015662.3 (MANE Select); coding-DNA position 3042, T replaced by C.
Protein change: p.Asp1014=; no amino-acid change (aspartic acid 1014 retained).
Molecular consequence: synonymous variant.
Genome position (GRCh38, 1-based): chr2:27,457,910, A>G on the plus strand (T>C on the coding strand, the complement: IFT172 is on the minus strand). VCF-style: chr2-27457910-A-G. GRCh37 (hg19) VCF-style: chr2-27680777-A-G.
Other names: c.2976T>C, p.Asp992= (NM_001410739.1).
Identifiers: ClinVar variation 3905821 (VCV003905821.10).